The following is an entry in ClinVar:

NM_000059.4(BRCA2):c.4429A>T (p.Ile1477Phe)

Gene: BRCA2 (BRCA2 DNA repair associated; plus strand). Cytogenetic location: 13q13.1.
Variant type: single nucleotide variant.
Coding change: c.4429A>T on transcript NM_000059.4 (MANE Select); coding-DNA position 4429, A replaced by T.
Protein change: p.Ile1477Phe; replaces isoleucine 1477 with phenylalanine.
Molecular consequence: missense variant.
Genome position (GRCh38, 1-based): chr13:32,338,784, A>T. VCF-style: chr13-32338784-A-T. GRCh37 (hg19) VCF-style: chr13-32912921-A-T.
Other names: c.4429A>T, p.Ile1477Phe (NM_001406720.1, NM_001406719.1); short protein forms I1477F.
Identifiers: ClinVar variation 1740524 (VCV001740524.10), dbSNP rs1159807733, ClinGen allele CA387781285.

ClinVar aggregate classification (germline): Conflicting classifications of pathogenicity. Review status: criteria provided, conflicting classifications (1 of 4 stars). 3 submissions from 3 submitters: Uncertain significance (2); Likely benign (1). Last evaluated 2025-12-07.

Conditions:
Hereditary cancer-predisposing syndrome. Also called: Hereditary Cancer Syndrome; Hereditary neoplastic syndrome; Neoplastic Syndromes, Hereditary; Tumor predisposition. Identifiers: Orphanet 140162, MedGen C0027672, MeSH D009386, MONDO:0015356.
Hereditary breast ovarian cancer syndrome. Also called: Hereditary breast and ovarian cancer syndrome (HBOC); Hereditary breast and ovarian cancer syndrome; Breast and ovarian cancer; Hereditary breast and/or ovarian cancer syndrome; Hereditary breast and ovarian cancer; BRCA1- and BRCA2-Associated Hereditary Breast and Ovarian Cancer. Identifiers: Orphanet 145, MedGen C0677776, MeSH D061325, MONDO:0003582. Disease mechanism: loss of function.

Allele frequency attached by ClinVar (database versions not stated): gnomAD exomes below 0.00001.
gnomAD v4.1: 2 of 1,612,624 alleles (0.00012%); highest among the groups gnomAD compares: East Asian, 0.0045%; no homozygotes.

Submissions (3):

Ambry Genetics
Classification: Uncertain significance for Hereditary cancer-predisposing syndrome. Last evaluated: 2025-12-07. Review status: criteria provided, single submitter. Criteria: Ambry Variant Classification Scheme 2023. Collection method: clinical testing. Allele origin: germline.
Comment: The p.I1477F variant (also known as c.4429A>T), located in coding exon 10 of the BRCA2 gene, results from an A to T substitution at nucleotide position 4429. The isoleucine at codon 1477 is replaced by phenylalanine, an amino acid with highly similar properties. This amino acid position is not well conserved in available vertebrate species. In addition, this alteration is predicted to be tolerated by in silico analysis. Since supporting evidence is limited at this time, the clinical significance of this alteration remains unclear.

Labcorp Genetics (formerly Invitae), Labcorp
Classification: Uncertain significance for Hereditary breast ovarian cancer syndrome. Last evaluated: 2023-08-17. Review status: criteria provided, single submitter. Criteria: Invitae Variant Classification Sherloc (09022015). Collection method: clinical testing. Allele origin: germline.
Comment: In summary, the available evidence is currently insufficient to determine the role of this variant in disease. Therefore, it has been classified as a Variant of Uncertain Significance. Advanced modeling of protein sequence and biophysical properties (such as structural, functional, and spatial information, amino acid conservation, physicochemical variation, residue mobility, and thermodynamic stability) performed at Invitae indicates that this missense variant is not expected to disrupt BRCA2 protein function. ClinVar contains an entry for this variant (Variation ID: 1740524). This variant has not been reported in the literature in individuals affected with BRCA2-related conditions. This variant is present in population databases (no rsID available, gnomAD 0.006%). This sequence change replaces isoleucine, which is neutral and non-polar, with phenylalanine, which is neutral and non-polar, at codon 1477 of the BRCA2 protein (p.Ile1477Phe).

University of Washington Department of Laboratory Medicine, University of Washington
Classification: Likely benign for Hereditary cancer-predisposing syndrome. Last evaluated: 2023-03-23. Review status: criteria provided, single submitter. Criteria: Dines et al. (Genet Med. 2020). Collection method: curation. Allele origin: germline.
Comment: Missense variant in a coldspot region where missense variants are very unlikely to be pathogenic (PMID:31911673).

BRCA2 exon 11 coldspot. Reclassification based on statistical prior probability.